The following is an entry in ClinVar:

NM_001145809.2(MYH14):c.5876G>A (p.Arg1959Gln)

Gene: MYH14 (myosin heavy chain 14; plus strand). Cytogenetic location: 19q13.33.
Variant type: single nucleotide variant.
Coding change: c.5876G>A on transcript NM_001145809.2 (MANE Select); coding-DNA position 5876, G replaced by A.
Protein change: p.Arg1959Gln; replaces arginine 1959 with glutamine.
Molecular consequence: missense variant.
Genome position (GRCh38, 1-based): chr19:50,309,093, G>A. VCF-style: chr19-50309093-G-A. GRCh37 (hg19) VCF-style: chr19-50812350-G-A.
Other names: c.5777G>A, p.Arg1926Gln (NM_001077186.2); c.5753G>A, p.Arg1918Gln (NM_024729.4); c.5753G>A (NM_024729.3); short protein forms R1959Q, R1926Q, R1918Q.
Identifiers: ClinVar variation 44077 (VCV000044077.54), dbSNP rs200878464, ClinGen allele CA133512.

ClinVar aggregate classification (germline): Conflicting classifications of pathogenicity. Review status: criteria provided, conflicting classifications (1 of 4 stars). 4 submissions from 4 submitters: Uncertain significance (3); Likely benign (1). Last evaluated 2025-07-10.

Conditions:
Inborn genetic diseases. Identifiers: MedGen C0950123, MeSH D030342.

Allele frequency attached by ClinVar (database versions not stated): gnomAD exomes 0.00008 and 0.00021; ExAC 0.00010; gnomAD 0.00011 and 0.00012; TOPMed 0.00011; 1000 Genomes Project 30x 0.00016; ESP Exome Variant Server 0.00016; 1000 Genomes Project 0.00020.
gnomAD v4.1: 323 of 1,613,892 alleles (0.02%); highest among the groups gnomAD compares: Non-Finnish European, 0.026%; no homozygotes.

Submissions (4):

Labcorp Genetics (formerly Invitae), Labcorp
Classification: Uncertain significance. Last evaluated: 2025-07-10. Review status: criteria provided, single submitter. Criteria: Invitae Variant Classification Sherloc (09022015). Collection method: clinical testing. Allele origin: germline.
Comment: This sequence change replaces arginine, which is basic and polar, with glutamine, which is neutral and polar, at codon 1918 of the MYH14 protein (p.Arg1918Gln). This variant is present in population databases (rs200878464, gnomAD 0.02%). This variant has not been reported in the literature in individuals affected with MYH14-related conditions. ClinVar contains an entry for this variant (Variation ID: 44077). Invitae Evidence Modeling of protein sequence and biophysical properties (such as structural, functional, and spatial information, amino acid conservation, physicochemical variation, residue mobility, and thermodynamic stability) indicates that this missense variant is expected to disrupt MYH14 protein function with a positive predictive value of 80%. In summary, the available evidence is currently insufficient to determine the role of this variant in disease. Therefore, it has been classified as a Variant of Uncertain Significance.

Ambry Genetics
Classification: Uncertain significance for Inborn genetic diseases. Last evaluated: 2024-12-06. Review status: criteria provided, single submitter. Criteria: Ambry Variant Classification Scheme 2023. Collection method: clinical testing. Allele origin: germline.

CeGaT Center for Human Genetics Tuebingen
Classification: Likely benign. Last evaluated: 2024-06-01. Review status: criteria provided, single submitter. Criteria: CeGaT Center For Human Genetics Tuebingen Variant Classification Criteria Version 2. Collection method: clinical testing. Allele origin: germline. Affected: yes. Observed: 2 variant alleles.
Comment: MYH14: BS2

Laboratory for Molecular Medicine, Mass General Brigham Personalized Medicine
Classification: Uncertain significance. Last evaluated: 2013-04-08. Review status: criteria provided, single submitter. Criteria: LMM Criteria. Collection method: clinical testing. Allele origin: germline. Observed: 2 variant alleles.
Comment: Variant classified as Uncertain Significance - Favor Benign. The Arg1959Gln vari ant in MYH14 has not been reported in the literature nor previously identified b y our laboratory in any other families. This variant has been identified in 0.02 % (2/8402) of European American chromosomes from a broad population by the NHLBI Exome Sequencing Project. Although this vari ant has been seen in the general population, its frequency is not high enough to rule out a pathogenic role. Computational analyses (biochemical amino acid prop erties, conservation, AlignGVGD, PolyPhen2, and SIFT) suggest that the Arg1959Gl n variant may impact the protein, though this information is not predictive enou gh to determine pathogenicity. In summary, the clinical significance of this variant cannot be determined with certainty; however, based upon its presence in an unaffected family member, we would lean towards a more benign role.